The following is an entry in ClinVar:

ClinVar aggregate classification (germline): Uncertain significance (1 of 4 stars; one submission).

Allele frequency attached by ClinVar (database versions not stated): gnomAD exomes 0.00002 and 0.00004; ExAC 0.00007; gnomAD 0.00021 and 0.00024; TOPMed 0.00025; 1000 Genomes Project 30x 0.00031; ESP Exome Variant Server 0.00038; 1000 Genomes Project 0.00040.
gnomAD v4.1: 68 of 1,613,438 alleles (0.0042%); highest among the groups gnomAD compares: African/African-American, 0.064%; 1 homozygote.

Submission:

Labcorp Genetics (formerly Invitae), Labcorp
Classification: Uncertain significance. Last evaluated: 2022-06-20. Review status: criteria provided, single submitter. Criteria: Invitae Variant Classification Sherloc (09022015). Collection method: clinical testing. Allele origin: germline.
Comment: This sequence change replaces aspartic acid, which is acidic and polar, with asparagine, which is neutral and polar, at codon 3698 of the HSPG2 protein (p.Asp3698Asn). This variant is present in population databases (rs143702306, gnomAD 0.04%). This variant has not been reported in the literature in individuals affected with HSPG2-related conditions. ClinVar contains an entry for this variant (Variation ID: 1061085). Algorithms developed to predict the effect of missense changes on protein structure and function are either unavailable or do not agree on the potential impact of this missense change (SIFT: "Tolerated"; PolyPhen-2: "Probably Damaging"; Align-GVGD: "Class C0"). In summary, the available evidence is currently insufficient to determine the role of this variant in disease. Therefore, it has been classified as a Variant of Uncertain Significance.

NM_005529.7(HSPG2):c.11092G>A (p.Asp3698Asn)

Gene: HSPG2 (heparan sulfate proteoglycan 2; minus strand). Cytogenetic location: 1p36.12.
Variant type: single nucleotide variant.
Coding change: c.11092G>A on transcript NM_005529.7 (MANE Select); coding-DNA position 11092, G replaced by A.
Protein change: p.Asp3698Asn; replaces aspartic acid 3698 with asparagine.
Molecular consequence: missense variant.
Genome position (GRCh38, 1-based): chr1:21,833,271, C>T on the plus strand (G>A on the coding strand, the complement: HSPG2 is on the minus strand). VCF-style: chr1-21833271-C-T. GRCh37 (hg19) VCF-style: chr1-22159764-C-T.
Other names: c.11095G>A, p.Asp3699Asn (NM_001291860.2); short protein forms D3698N, D3699N.
Identifiers: ClinVar variation 1061085 (VCV001061085.6), dbSNP rs143702306, ClinGen allele CA669934.